The following is an entry in ClinVar:

ClinVar aggregate classification (germline): Uncertain significance. Review status: criteria provided, multiple submitters, no conflicts (2 of 4 stars). 3 submissions from 3 submitters: Uncertain significance (3). Last evaluated 2025-12-21.

Conditions:
Benign neonatal seizures. Also called: Benign familial neonatal seizures; Benign familial neonatal epilepsy; Convulsions benign familial neonatal dominant form; Autosomal dominant form of benign neonatal seizures; Benign neonatal familial convulsions. Identifiers: Orphanet 1949, MedGen C0220669, MONDO:0016027.
Seizures, benign familial neonatal, 2. Also called: CONVULSIONS, BENIGN FAMILIAL NEONATAL, 2; Benign Neonatal Epilepsy 2; KCNQ3-Related Self-Limited Familial Neonatal Epilepsy (SLFNE); KCNQ3-Related Benign Familial Neonatal Epilepsy; Seizures, benign neonatal, 2. Identifiers: Orphanet 1949, MedGen C1852581, MONDO:0007366, OMIM 121201.

Allele frequency attached by ClinVar (database versions not stated): gnomAD exomes below 0.00001; TOPMed 0.00001.
gnomAD v4.1: 2 of 1,614,080 alleles (0.00012%); highest among the groups gnomAD compares: Non-Finnish European, 0.00017%; no homozygotes.

Submissions (3):

Victorian Clinical Genetics Services, Murdoch Childrens Research Institute
Classification: Uncertain significance for Seizures, benign familial neonatal, 2. Last evaluated: 2025-12-21. Review status: criteria provided, single submitter. Criteria: ACMG Guidelines, 2015. Collection method: clinical testing. Allele origin: germline. Affected: yes.
Comment: This variant is classified as VUS-3A. Evidence in support of pathogenic classification: Variant is present in gnomAD <0.001 for a dominant condition (v4: 2 heterozygote(s), 0 homozygote(s)); Missense variant predicted to be damaging by in silico tool(s) or highly conserved with a major amino acid change; Additional information: Variant is predicted to result in a missense amino acid change from Thr to Met; This variant is heterozygous; This gene is associated with autosomal dominant disease. However, there is an emerging association to recessive disease (ClinGen, PMID: 29852413; PMID: 31440727, PMID: 29383681); Previous evidence of pathogenicity for this variant is inconclusive. This variant has been classified twice as a VUS by a clinical laboratory in ClinVar; No published evidence of segregation with disease has been identified for this variant; No published functional evidence has been identified for this variant; No comparable missense variants have previous evidence for pathogenicity; Variant is located in the annotated ion transport domain (DECIPHER); Loss of function and gain of function are known mechanisms of disease in this gene and are associated with benign neonatal seizures 2 (MIM#121201) and neurodevelopmental disorder (MONDO:0700092), KCNQ3-related, respectively; The condition associated with this gene has incomplete penetrance, it has been noted for benign neonatal seizures 2 (MIM#121201) (PMID: 24851285).

Labcorp Genetics (formerly Invitae), Labcorp
Classification: Uncertain significance for Benign neonatal seizures. Last evaluated: 2024-03-15. Review status: criteria provided, single submitter. Criteria: Invitae Variant Classification Sherloc (09022015). Collection method: clinical testing. Allele origin: germline.
Comment: This sequence change replaces threonine, which is neutral and polar, with methionine, which is neutral and non-polar, at codon 263 of the KCNQ3 protein (p.Thr263Met). This variant is present in population databases (no rsID available, gnomAD 0.0009%). This missense change has been observed in individual(s) with clinical features of autosomal dominant KCNQ3-related conditions (Invitae). ClinVar contains an entry for this variant (Variation ID: 498225). Advanced modeling of protein sequence and biophysical properties (such as structural, functional, and spatial information, amino acid conservation, physicochemical variation, residue mobility, and thermodynamic stability) performed at Invitae indicates that this missense variant is expected to disrupt KCNQ3 protein function with a positive predictive value of 80%. In summary, the available evidence is currently insufficient to determine the role of this variant in disease. Therefore, it has been classified as a Variant of Uncertain Significance.

Eurofins Ntd Llc (ga)
Classification: Uncertain significance. Last evaluated: 2016-11-11. Review status: criteria provided, single submitter. Criteria: EGL Classification Definitions 2015. Collection method: clinical testing. Allele origin: germline. Observed: 3 variant alleles, 3 heterozygotes.

Literature cited by the submitters: PubMed 31440727 (cited by Victorian Clinical Genetics Services, Murdoch Childrens Research Institute); PubMed 29852413 (cited by Victorian Clinical Genetics Services, Murdoch Childrens Research Institute); PubMed 29383681 (cited by Victorian Clinical Genetics Services, Murdoch Childrens Research Institute); PubMed 24851285 (cited by Victorian Clinical Genetics Services, Murdoch Childrens Research Institute).

NM_004519.4(KCNQ3):c.788C>T (p.Thr263Met)

Gene: KCNQ3 (potassium voltage-gated channel subfamily Q member 3; minus strand). Cytogenetic location: 8q24.22.
Variant type: single nucleotide variant.
Coding change: c.788C>T on transcript NM_004519.4 (MANE Select); coding-DNA position 788, C replaced by T.
Protein change: p.Thr263Met; replaces threonine 263 with methionine.
Molecular consequence: missense variant.
Genome position (GRCh38, 1-based): chr8:132,175,598, G>A on the plus strand (C>T on the coding strand, the complement: KCNQ3 is on the minus strand). VCF-style: chr8-132175598-G-A. GRCh37 (hg19) VCF-style: chr8-133187845-G-A.
Other names: c.428C>T, p.Thr143Met (NM_001204824.2); short protein forms T263M, T143M.
Identifiers: ClinVar variation 498225 (VCV000498225.13), dbSNP rs1479652323, ClinGen allele CA372290610.